The following is an entry in ClinVar:

ClinVar aggregate classification (germline): Uncertain significance. Review status: criteria provided, multiple submitters, no conflicts (2 of 4 stars). 4 submissions from 4 submitters: Uncertain significance (4). Last evaluated 2025-07-08.

Conditions:
Peutz-Jeghers syndrome (PJS). Also called: Peutz-Jeghers polyposis; Periorificial lentiginosis syndrome; POLYPOSIS, HAMARTOMATOUS INTESTINAL; POLYPS-AND-SPOTS SYNDROME. Identifiers: Orphanet 2869, MedGen C0031269, MeSH D010580, MONDO:0008280, OMIM 175200.
Hereditary cancer-predisposing syndrome. Also called: Neoplastic Syndromes, Hereditary; Hereditary Cancer Syndrome; Hereditary neoplastic syndrome; Tumor predisposition. Identifiers: Orphanet 140162, MedGen C0027672, MeSH D009386, MONDO:0015356.

Allele frequency attached by ClinVar (database versions not stated): TOPMed 0.00002.

Submissions (4):

Ambry Genetics
Classification: Uncertain significance for Hereditary cancer-predisposing syndrome. Last evaluated: 2025-07-08. Review status: criteria provided, single submitter. Criteria: Ambry Variant Classification Scheme 2023. Collection method: clinical testing. Allele origin: germline.
Comment: The p.M18I variant (also known as c.54G>T), located in coding exon 1 of the STK11 gene, results from a G to T substitution at nucleotide position 54. The methionine at codon 18 is replaced by isoleucine, an amino acid with highly similar properties. This amino acid position is well conserved in available vertebrate species. In addition, this alteration is predicted to be tolerated by in silico analysis. Based on the available evidence, the clinical significance of this variant remains unclear.

Labcorp Genetics (formerly Invitae), Labcorp
Classification: Uncertain significance for Peutz-Jeghers syndrome. Last evaluated: 2025-04-17. Review status: criteria provided, single submitter. Criteria: Invitae Variant Classification Sherloc (09022015). Collection method: clinical testing. Allele origin: germline.
Comment: This sequence change replaces methionine, which is neutral and non-polar, with isoleucine, which is neutral and non-polar, at codon 18 of the STK11 protein (p.Met18Ile). This variant is not present in population databases (gnomAD no frequency). This variant has not been reported in the literature in individuals affected with STK11-related conditions. ClinVar contains an entry for this variant (Variation ID: 825783). Invitae Evidence Modeling of protein sequence and biophysical properties (such as structural, functional, and spatial information, amino acid conservation, physicochemical variation, residue mobility, and thermodynamic stability) indicates that this missense variant is not expected to disrupt STK11 protein function with a negative predictive value of 95%. In summary, the available evidence is currently insufficient to determine the role of this variant in disease. Therefore, it has been classified as a Variant of Uncertain Significance.

All of Us Research Program, National Institutes of Health
Classification: Uncertain significance for Peutz-Jeghers syndrome. Last evaluated: 2023-12-13. Review status: criteria provided, single submitter. Criteria: ACMG Guidelines, 2015. Collection method: clinical testing. Allele origin: germline. Inheritance: Autosomal dominant inheritance. Observed: 1 variant allele, 1 heterozygote.
Comment: This missense variant replaces methionine with isoleucine at codon 18 of the STK11 protein. Computational prediction suggests that this variant may not impact protein structure and function (internally defined REVEL score threshold <= 0.5, PMID: 27666373). To our knowledge, functional studies have not been reported for this variant. This variant has not been reported in individuals affected with STK11-related disorders in the literature. This variant has not been identified in the general population by the Genome Aggregation Database (gnomAD). The available evidence is insufficient to determine the role of this variant in disease conclusively. Therefore, this variant is classified as a Variant of Uncertain Significance.

This study involves interpretation of variants in research participants for the purpose of population health screening. Participant phenotype was not available at the time of variant classification. Additional details can be found in publication PMID: 35346344, PMCID: PMC8962531

Genome-Nilou Lab
Classification: Uncertain significance for Peutz-Jeghers syndrome. Last evaluated: 2021-07-15. Review status: criteria provided, single submitter. Criteria: ACMG Guidelines, 2015. Collection method: clinical testing. Allele origin: germline. Affected: no.

NM_000455.5(STK11):c.54G>T (p.Met18Ile)

Gene: STK11 (serine/threonine kinase 11; plus strand). Cytogenetic location: 19p13.3.
Variant type: single nucleotide variant.
Coding change: c.54G>T on transcript NM_000455.5 (MANE Select); coding-DNA position 54, G replaced by T.
Protein change: p.Met18Ile; replaces methionine 18 with isoleucine.
Molecular consequence: missense variant.
Genome position (GRCh38, 1-based): chr19:1,206,967, G>T. VCF-style: chr19-1206967-G-T. GRCh37 (hg19) VCF-style: chr19-1206966-G-T.
Other names: short protein forms M18I.
Identifiers: ClinVar variation 825783 (VCV000825783.18), dbSNP rs755436889, ClinGen allele CA048056.